The following is an entry in ClinVar:

ClinVar aggregate classification (germline): Uncertain significance (1 of 4 stars; one submission).

Submission:

Labcorp Genetics (formerly Invitae), Labcorp
Classification: Uncertain significance. Last evaluated: 2023-07-13. Review status: criteria provided, single submitter. Criteria: Invitae Variant Classification Sherloc (09022015). Collection method: clinical testing. Allele origin: germline.
Comment: A copy number gain of the genomic region encompassing the full coding sequence of the ANXA11 gene has been identified. The boundaries of this event are unknown as they extend beyond the assayed region for this gene and therefore may encompass additional genes. As the precise location of this event is unknown, it may be in tandem or it may be located elsewhere in the genome. A similar copy number variant has been observed in individual(s) with clinical features of amyotrophic lateral sclerosis (Invitae). In summary, the available evidence is currently insufficient to determine the role of this variant in disease. Therefore, it has been classified as a Variant of Uncertain Significance.

NC_000010.10:g.(?_81915609)_(81932617_?)dup

Gene: ANXA11 (annexin A11; minus strand). Cytogenetic location: 10q22.3.
Variant type: Duplication.
Identifiers: ClinVar variation 1442994 (VCV001442994.4).